The following is an entry in ClinVar:

NM_001276345.2(TNNT2):c.679A>G (p.Lys227Glu)

Gene: TNNT2 (troponin T2, cardiac type; minus strand). Cytogenetic location: 1q32.1.
Variant type: single nucleotide variant.
Coding change: c.679A>G on transcript NM_001276345.2 (MANE Select); coding-DNA position 679, A replaced by G.
Protein change: p.Lys227Glu; replaces lysine 227 with glutamic acid.
Molecular consequence: missense variant.
Genome position (GRCh38, 1-based): chr1:201,361,953, T>C on the plus strand (A>G on the coding strand, the complement: TNNT2 is on the minus strand). VCF-style: chr1-201361953-T-C. GRCh37 (hg19) VCF-style: chr1-201331081-T-C.
Other names: c.670A>G, p.Lys224Glu (NM_000364.4); c.649A>G, p.Lys217Glu (NM_001001430.3, NM_001276347.2); c.640A>G, p.Lys214Glu (NM_001001431.3); c.631A>G, p.Lys211Glu (NM_001001432.3); c.550A>G, p.Lys184Glu (NM_001276346.2); short protein forms K217E, K224E, K211E, K227E, K184E, K214E.
Identifiers: ClinVar variation 43661 (VCV000043661.7), dbSNP rs397516478, ClinGen allele CA004894.

ClinVar aggregate classification (germline): Uncertain significance. Review status: criteria provided, single submitter (1 of 4 stars). 2 submissions from 2 submitters: Uncertain significance (1). 1 of the submissions does not count toward it. Last evaluated 2024-07-09.

Conditions:
Hypertrophic cardiomyopathy 2. Also called: TNNT2-Related Familial Hypertrophic Cardiomyopathy. Identifiers: MedGen C1861864, MONDO:0007266, OMIM 115195.
Cardiomyopathy, familial restrictive, 3. Identifiers: Orphanet 75249, MedGen C2676271, MONDO:0012900, OMIM 612422.
Dilated cardiomyopathy 1D. Identifiers: Orphanet 154, Orphanet 54260, MedGen C1832243, MONDO:0011095, OMIM 601494.

Submissions (2):

Labcorp Genetics (formerly Invitae), Labcorp
Classification: Uncertain significance for Cardiomyopathy, familial restrictive, 3; Hypertrophic cardiomyopathy 2; Dilated cardiomyopathy 1D. Last evaluated: 2024-07-09. Review status: criteria provided, single submitter. Criteria: Invitae Variant Classification Sherloc (09022015). Collection method: clinical testing. Allele origin: germline.
Comment: This sequence change replaces lysine, which is basic and polar, with glutamic acid, which is acidic and polar, at codon 217 of the TNNT2 protein (p.Lys217Glu). This variant is not present in population databases (gnomAD no frequency). This missense change has been observed in individual(s) with hypertrophic cardiomyopathy (PMID: 27532257, 37652022). ClinVar contains an entry for this variant (Variation ID: 43661). Advanced modeling of protein sequence and biophysical properties (such as structural, functional, and spatial information, amino acid conservation, physicochemical variation, residue mobility, and thermodynamic stability) performed at Invitae indicates that this missense variant is expected to disrupt TNNT2 protein function with a positive predictive value of 95%. In summary, the available evidence is currently insufficient to determine the role of this variant in disease. Therefore, it has been classified as a Variant of Uncertain Significance.

Laboratory for Molecular Medicine, Mass General Brigham Personalized Medicine
Classification: Uncertain significance. Last evaluated: 2009-12-07. Review status: no assertion criteria provided. Collection method: clinical testing. Allele origin: germline. Observed: 2 variant alleles. Not counted in ClinVar's aggregate classification.

Literature cited by the submitters: PubMed 27532257 (cited by Labcorp Genetics (formerly Invitae), Labcorp); PubMed 37652022 (cited by Labcorp Genetics (formerly Invitae), Labcorp); PubMed 16651346 (cited by Laboratory for Molecular Medicine, Mass General Brigham Personalized Medicine); PubMed 18467357 (cited by Laboratory for Molecular Medicine, Mass General Brigham Personalized Medicine).